The following is an entry in ClinVar:

ClinVar aggregate classification (germline): Pathogenic. Review status: criteria provided, multiple submitters, no conflicts (2 of 4 stars). 15 submissions from 15 submitters: Pathogenic (14). 1 of the submissions does not count toward it. Last evaluated 2026-01-09.

Conditions:
EYS-related disorder. Also called: EYS-related condition.
Retinal dystrophy. Also called: Inherited retinal dystrophy. Identifiers: Orphanet 71862, MedGen C0854723, MeSH D058499, MONDO:0019118, HP:0000556.
Retinitis pigmentosa 25 (RP25). Identifiers: Orphanet 791, MedGen C1864446, MONDO:0011272, OMIM 602772.
Retinitis pigmentosa (RP). Identifiers: Orphanet 791, MedGen C0035334, MeSH D012174, MONDO:0019200, OMIM 268000. Inheritance: Autosomal dominant, autosomal recessive and X linked inheritance.
Retinal disorder. Also called: Retinopathy; Retinopathies; Retinal Diseases; Retinal disorders. Identifiers: MedGen C0035309, MONDO:0005283, HP:0000488.

Allele frequency attached by ClinVar (database versions not stated): gnomAD 0.00001; TOPMed 0.00002; gnomAD exomes 0.00001.
gnomAD v4.1: 23 of 1,613,940 alleles (0.0014%); highest among the groups gnomAD compares: Middle Eastern, 0.016%; no homozygotes.

Submissions (15):

Labcorp Genetics (formerly Invitae), Labcorp
Classification: Pathogenic. Last evaluated: 2026-01-09. Review status: criteria provided, single submitter. Criteria: Invitae Variant Classification Sherloc (09022015). Collection method: clinical testing. Allele origin: germline.
Comment: This sequence change creates a premature translational stop signal (p.Arg164*) in the EYS gene. It is expected to result in an absent or disrupted protein product. Loss-of-function variants in EYS are known to be pathogenic (PMID: 18836446, 20333770). This variant is present in population databases (rs794727631, gnomAD 0.003%). This premature translational stop signal has been observed in individuals with retinitis pigmentosa (PMID: 22581970, 25753737). It has also been observed to segregate with disease in related individuals. ClinVar contains an entry for this variant (Variation ID: 197186). For these reasons, this variant has been classified as Pathogenic.

Research Institute for Ophthalmology and Vision Science, Shahid Beheshti University of Medical Sciences
Classification: Pathogenic for Retinitis pigmentosa. Last evaluated: 2025-12-08. Review status: criteria provided, single submitter. Criteria: ACMG Guidelines, 2015. Collection method: research. Allele origin: inherited. Inheritance: Autosomal recessive inheritance. Affected: yes.
Comment: The variant causes a premature stop in translation and has been identified and segregated in multiple affected family members. It is reported as pathogenic and has a very low frequency in the gnomAD v2.1.1 dataset.

Genetics Laboratory, Great Ormond Street Hospital NHS Foundation Trust, North Thames Genomic Laboratory Hub
Classification: Pathogenic for Retinal disorders. Last evaluated: 2025-12-05. Review status: criteria provided, single submitter. Criteria: ACGS Best Practice Guidelines for Variant Classification in Rare Disease 2024 v1.2. Collection method: clinical testing. Allele origin: germline. Affected: yes.
Comment: PM2_moderate, PVS1_very-strong, PM3_moderate

Natera, Inc.
Classification: Pathogenic for Retinitis pigmentosa type 25. Last evaluated: 2025-11-17. Review status: criteria provided, single submitter. Criteria: Natera Variant Classification Schema (03/2026). Collection method: clinical testing. Allele origin: germline.
Comment: The c.490C>T variant in EYS is a nonsense variant predicted to introduce a stop codon at amino acid 164. This variant is expected to result in nonsense mediated decay, truncation, or a dysfunctional protein product. This variant is rare in the general population with a frequency below the threshold expected for the associated phenotype(s). This variant has been observed in one or more individuals affected with the associated recessive disease, as either homozygous or compound heterozygous with a second variant (PMID: 8704921). Given the available evidence, this variant is classified as Pathogenic.

Lab De Baere, Eye and Developmental Genetics Lab, Ghent University
Classification: Pathogenic for Retinitis pigmentosa. Last evaluated: 2024-10-01. Review status: criteria provided, single submitter. Criteria: ACMG Guidelines, 2015. Collection method: research. Allele origin: inherited. Affected: yes. Observed: 1 variant allele.
Comment: ACMG/AMP guidelines: PM2, PVS1, PP1, PM3_1

Blueprint Genetics
Classification: Pathogenic for EYS-related disorders. Last evaluated: 2024-07-18. Review status: criteria provided, single submitter. Criteria: ACMG Guidelines, 2015. Collection method: clinical testing. Allele origin: germline. Affected: yes. Observed: 5 variant alleles.

3billion
Classification: Pathogenic for Retinitis pigmentosa 25. Last evaluated: 2022-01-03. Review status: criteria provided, single submitter. Criteria: ACMG Guidelines, 2015. Collection method: clinical testing. Allele origin: germline. Affected: yes. Observed: 1 homozygote.
Comment: Stop-gained (nonsense): predicted to result in a loss or disruption of normal protein function through nonsense-mediated decay (NMD) or protein truncation. Multiple pathogenic variants are reported downstream of the variant (PVS1_VS). The variant has been reported at least twice as pathogenic/likely pathogenic with clinical assertions and evidence for the classification (ClinVar ID: VCV000197186, PMID:22581970). It is observed at an extremely low frequency in the gnomAD v2.1.1 dataset (total allele frequency: 0.000008, PM2_M). Therefore, this variant is classified as pathogenic according to the recommendation of ACMG/AMP guideline.

Illumina Laboratory Services, Illumina
Classification: Pathogenic for Retinitis pigmentosa 25. Last evaluated: 2021-09-22. Review status: criteria provided, single submitter. Criteria: ICSLVariantClassificationCriteria RUGD 01 April 2020. Collection method: clinical testing. Allele origin: unknown.
Comment: The EYS c.490C>T (p.Arg164Ter) variant is a stop-gained variant that is predicted to result in a premature termination of the protein. The variant has been reported in a compound heterozygous state in at least five individuals, including two siblings, affected with retinitis pigmentosa (O'Sullivan et al. 2012; Chen et al. 2015; McGuigan et al. 2017). The variant is reported at a frequency of 0.000008 in the Total population of the Genome Aggregation database (version 2.1.1), though this is based on only two occurrences in a region of good sequence coverage, so the variant is presumed to be rare. Based on the collective evidence, the p.Arg164Ter variant is classified as pathogenic for autosomal recessive retinitis pigmentosa.

Genetics and Genomic Medicine Centre, NeuroGen Healthcare, NeuroGen Healthcare
Classification: Pathogenic for Retinitis pigmentosa 25. Last evaluated: 2021-01-28. Review status: criteria provided, single submitter. Criteria: Submitter's publication. Collection method: clinical testing. Allele origin: unknown. Affected: no.

Institute of Human Genetics, Univ. Regensburg, Univ. Regensburg
Classification: Pathogenic for Retinal dystrophy. Last evaluated: 2021-01-01. Review status: criteria provided, single submitter. Criteria: ACMG Guidelines, 2015. Collection method: clinical testing. Allele origin: germline. Affected: yes.

Institute of Medical Genetics and Applied Genomics, University Hospital Tübingen
Classification: Pathogenic. Last evaluated: 2020-10-23. Review status: criteria provided, single submitter. Criteria: ACMG Guidelines, 2015. Collection method: clinical testing. Allele origin: germline. Inheritance: Autosomal recessive inheritance. Affected: yes.

Fulgent Genetics
Classification: Pathogenic for Retinitis pigmentosa 25. Last evaluated: 2018-10-31. Review status: criteria provided, single submitter. Criteria: ACMG Guidelines, 2015. Collection method: clinical testing. Allele origin: unknown.

Eurofins Ntd Llc (ga)
Classification: Pathogenic. Last evaluated: 2017-04-12. Review status: criteria provided, single submitter. Criteria: EGL Classification Definitions 2015. Collection method: clinical testing. Allele origin: germline. Observed: 2 variant alleles, 1 heterozygote, 1 homozygote.

Kariminejad - Najmabadi Pathology & Genetics Center
Classification: Pathogenic for Retinitis pigmentosa 25. Review status: criteria provided, single submitter. Criteria: ACMG Guidelines, 2015. Collection method: clinical testing. Allele origin: germline. Affected: no.

NIHR Bioresource Rare Diseases, University of Cambridge
Classification: Pathogenic for Retinitis pigmentosa. Last evaluated: 2015-01-01. Review status: no assertion criteria provided. Collection method: research. Allele origin: unknown. Affected: yes. Observed: 1 variant allele. Not counted in ClinVar's aggregate classification.

Literature cited by the submitters: PubMed 18836446 (cited by Labcorp Genetics (formerly Invitae), Labcorp); PubMed 20333770 (cited by Labcorp Genetics (formerly Invitae), Labcorp); PubMed 22581970 (cited by 6 submitters); PubMed 25753737 (cited by 3 submitters); PubMed 8704921 (cited by Natera, Inc.); PubMed 28704921 (cited by Illumina Laboratory Services, Illumina); PubMed 31964843 (cited by Institute of Human Genetics, Univ. Regensburg, Univ. Regensburg); PubMed 33749171 (cited by Institute of Human Genetics, Univ. Regensburg, Univ. Regensburg); PubMed 35754085 (cited by Institute of Human Genetics, Univ. Regensburg, Univ. Regensburg); PubMed 36819107 (cited by Institute of Human Genetics, Univ. Regensburg, Univ. Regensburg); PubMed 28041643 (cited by NIHR Bioresource Rare Diseases, University of Cambridge).

NM_001142800.2(EYS):c.490C>T (p.Arg164Ter)

Gene: EYS (EGF-like photoreceptor maintenance factor; minus strand). Cytogenetic location: 6q12.
Variant type: single nucleotide variant.
Coding change: c.490C>T on transcript NM_001142800.2 (MANE Select); coding-DNA position 490, C replaced by T.
Protein change: p.Arg164Ter; replaces arginine 164 with a stop codon.
Molecular consequence: nonsense.
Genome position (GRCh38, 1-based): chr6:65,494,921, G>A on the plus strand (C>T on the coding strand, the complement: EYS is on the minus strand). VCF-style: chr6-65494921-G-A. GRCh37 (hg19) VCF-style: chr6-66204814-G-A.
Other names: c.490C>T, p.Arg164Ter (NM_001142801.2, NM_001292009.2, NM_198283.2); short protein forms R164*.
Identifiers: ClinVar variation 197186 (VCV000197186.32), dbSNP rs794727631, ClinGen allele CA275249.